The following is an entry in ClinVar:

ClinVar aggregate classification (germline): Benign/Likely benign. Review status: criteria provided, multiple submitters, no conflicts (2 of 4 stars). 2 submissions from 2 submitters: Benign (1); Likely benign (1). Last evaluated 2026-07-01.

Allele frequency attached by ClinVar (database versions not stated): TOPMed 0.00004; ESP Exome Variant Server 0.00008; gnomAD exomes 0.00031; 1000 Genomes Project 30x 0.00047; 1000 Genomes Project 0.00060; gnomAD 0.00065; ExAC 0.00075.
gnomAD v4.1: 544 of 1,599,870 alleles (0.034%); highest among the groups gnomAD compares: Middle Eastern, 0.033%; 2 homozygotes.

Submissions (2):

CeGaT Center for Human Genetics Tuebingen
Classification: Likely benign. Last evaluated: 2026-07-01. Review status: criteria provided, single submitter. Criteria: CeGaT Center For Human Genetics Tuebingen Variant Classification Criteria Version 2. Collection method: clinical testing. Allele origin: germline. Affected: yes. Observed: 1 variant allele.
Comment: AASS: BP4, BP7

Labcorp Genetics (formerly Invitae), Labcorp
Classification: Benign. Last evaluated: 2025-02-23. Review status: criteria provided, single submitter. Criteria: Invitae Variant Classification Sherloc (09022015). Collection method: clinical testing. Allele origin: germline.

NM_005763.4(AASS):c.1884A>G (p.Ser628=)

Gene: AASS (aminoadipate-semialdehyde synthase; minus strand). Cytogenetic location: 7q31.32.
Variant type: single nucleotide variant.
Coding change: c.1884A>G on transcript NM_005763.4 (MANE Select); coding-DNA position 1884, A replaced by G.
Protein change: p.Ser628=; no amino-acid change (serine 628 retained).
Molecular consequence: synonymous variant.
Genome position (GRCh38, 1-based): chr7:122,091,835, T>C on the plus strand (A>G on the coding strand, the complement: AASS is on the minus strand). VCF-style: chr7-122091835-T-C. GRCh37 (hg19) VCF-style: chr7-121731889-T-C.
Identifiers: ClinVar variation 2959806 (VCV002959806.5), dbSNP rs184615552, ClinGen allele CA4458203.
Genomic context (GRCh38, chr7:122,091,835, plus strand): 5'-ATATCTCAATGGATTGTTTGAATGTTCAGGGGCTGGAAGCCCACCACAGTAGGAAATATA[T>C]GATTCAATCTATAAATTAAAGAATCAATAAATAAGGAAGAATTCACAACTTAGAGAATGT-3'
Protein context (NP_005754.2, residues 618-638): KAKEVGATIE[Ser628=]YISYCGGLPA